The following is an entry in ClinVar:

ClinVar aggregate classification (germline): Uncertain significance (1 of 4 stars; one submission).

gnomAD v4.1: 1 of 1,612,262 alleles (0.000062%); highest among the groups gnomAD compares: African/African-American, 0.0013%; no homozygotes.

Submission:

Labcorp Genetics (formerly Invitae), Labcorp
Classification: Uncertain significance. Last evaluated: 2025-08-07. Review status: criteria provided, single submitter. Criteria: Invitae Variant Classification Sherloc (09022015). Collection method: clinical testing. Allele origin: germline.
Comment: This sequence change replaces histidine, which is basic and polar, with aspartic acid, which is acidic and polar, at codon 143 of the FOCAD protein (p.His143Asp). The frequency data for this variant in the population databases is considered unreliable, as metrics indicate poor data quality at this position in the gnomAD database. This variant has not been reported in the literature in individuals affected with FOCAD-related conditions. ClinVar contains an entry for this variant (Variation ID: 3650976). Experimental studies and prediction algorithms are not available or were not evaluated, and the functional significance of this variant is currently unknown. In summary, the available evidence is currently insufficient to determine the role of this variant in disease. Therefore, it has been classified as a Variant of Uncertain Significance.

NM_001375567.1(FOCAD):c.427C>G (p.His143Asp)

Gene: FOCAD (focadhesin; plus strand). Cytogenetic location: 9p21.3.
Variant type: single nucleotide variant.
Coding change: c.427C>G on transcript NM_001375567.1 (MANE Select); coding-DNA position 427, C replaced by G.
Protein change: p.His143Asp; replaces histidine 143 with aspartic acid.
Molecular consequence: missense variant.
Genome position (GRCh38, 1-based): chr9:20,758,124, C>G. VCF-style: chr9-20758124-C-G. GRCh37 (hg19) VCF-style: chr9-20758123-C-G.
Other names: c.427C>G, p.His143Asp (NM_001375568.1, NM_017794.5); c.322C>G, p.His108Asp (NM_001375570.1); short protein forms H108D, H143D.
Identifiers: ClinVar variation 3650976 (VCV003650976.2).
Genomic context (GRCh38, chr9:20,758,124, plus strand): 5'-CCCATGTGACTTTCTGTGTCTTTCAGAAATCATCCTCATCCTTTGATAACTGTGCTTGAA[C>G]ACAGACCTGATTGCTGGCCAGTGTTTTTGCAGCAGCTGACAGCGTTTTTCCAGCAGTGCC-3'
Protein context (NP_001362496.1, residues 133-153): HPHPLITVLE[His143Asp]RPDCWPVFLQ